The following is an entry in ClinVar:

ClinVar aggregate classification (germline): Uncertain significance. Review status: criteria provided, multiple submitters, no conflicts (2 of 4 stars). 2 submissions from 2 submitters: Uncertain significance (2). Last evaluated 2026-03-04.

Conditions:
CLIC5-related disorder. Also called: CLIC5-related condition.

gnomAD v4.1: 37 of 1,551,574 alleles (0.0024%); highest among the groups gnomAD compares: African/African-American, 0.048%; no homozygotes.

Submissions (2):

GeneDx
Classification: Uncertain significance. Last evaluated: 2026-03-04. Review status: criteria provided, single submitter. Criteria: GeneDx Variant Classification Process June 2021. Collection method: clinical testing. Allele origin: germline.
Comment: Nonsense variant predicted to result in protein truncation or nonsense mediated decay in a gene or region of a gene for which loss of function is not a well-established mechanism of disease; Has not been previously published as pathogenic or benign to our knowledge; Variants in candidate genes are classified as variants of uncertain significance in accordance with ACMG guidelines (PMID: 25741868)

PreventionGenetics, part of Exact Sciences
Classification: Uncertain significance for CLIC5-related condition. Last evaluated: 2026-03-02. Review status: criteria provided, single submitter. Criteria: ACMG Guidelines, 2015. Collection method: clinical testing. Allele origin: germline.
Comment: The CLIC5 c.148C>T variant is predicted to result in premature protein termination (p.Gln50*). To our knowledge, this variant has not been reported in the literature. This variant is reported in 0.054% of alleles in individuals of African descent in gnomAD. Although we suspect that this variant may be benign, at this time, the clinical significance of this variant is uncertain due to the absence of conclusive functional and genetic evidence.

NM_001114086.2(CLIC5):c.148C>T (p.Gln50Ter)

Gene: CLIC5 (CLIC family member 5; minus strand). Cytogenetic location: 6p21.1.
Variant type: single nucleotide variant.
Coding change: c.148C>T on transcript NM_001114086.2; coding-DNA position 148, C replaced by T.
Protein change: p.Gln50Ter; replaces glutamine 50 with a stop codon.
Molecular consequence: nonsense. On other transcripts: intron variant (1).
Genome position (GRCh38, 1-based): chr6:46,080,095, G>A on the plus strand (C>T on the coding strand, the complement: CLIC5 is on the minus strand). VCF-style: chr6-46080095-G-A. GRCh37 (hg19) VCF-style: chr6-46047832-G-A.
Other names: c.148C>T, p.Gln50Ter (NM_001370650.1); c.-55+49409C>T (NM_001370649.1); short protein forms Q50*.
Identifiers: ClinVar variation 4888118 (VCV004888118.2).